The following is an entry in ClinVar:

ClinVar aggregate classification (germline): Uncertain significance (1 of 4 stars; one submission).

Conditions:
Neurodevelopmental disorder with hypotonia, neuropathy, and deafness (NEDHND). Also called: Myopathy, congenital, with neuropathy and deafness; SPTBN4 Disorder. Identifiers: MedGen C4479603, MONDO:0060496, OMIM 617519.

Submission:

Dasa
Classification: Uncertain significance for Neurodevelopmental disorder with hypotonia, neuropathy, and deafness. Last evaluated: 2025-06-20. Review status: criteria provided, single submitter. Criteria: DASA Assertion Criteria. Collection method: clinical testing. Allele origin: germline.
Comment: NM_020971.3(SPTBN4):c.3686G>A (p.Gly1229Asp) is a missense variant that results in the substitution of glycine with aspartic acid. This variant is absent from population databases. Computational prediction algorithms are consistent with a benign effect. The currently available literature and clinical evidence are not sufficient to establish a definitive association between this variant and the reported condition. Therefore, this variant is classified as a variant of uncertain significance.

NM_020971.3(SPTBN4):c.3686G>A (p.Gly1229Asp)

Gene: SPTBN4 (spectrin beta, non-erythrocytic 4; plus strand). Cytogenetic location: 19q13.2.
Variant type: single nucleotide variant.
Coding change: c.3686G>A on transcript NM_020971.3 (MANE Select); coding-DNA position 3686, G replaced by A.
Protein change: p.Gly1229Asp; replaces glycine 1229 with aspartic acid.
Molecular consequence: missense variant.
Genome position (GRCh38, 1-based): chr19:40,523,468, G>A. VCF-style: chr19-40523468-G-A. GRCh37 (hg19) VCF-style: chr19-41029375-G-A.
Other names: short protein forms G1229D.
Identifiers: ClinVar variation 4883635 (VCV004883635.2).